The following is an entry in ClinVar:

NM_000310.4(PPT1):c.234+6G>A

Gene: PPT1 (palmitoyl-protein thioesterase 1; minus strand). Cytogenetic location: 1p34.2.
Variant type: single nucleotide variant.
Coding change: c.234+6G>A on transcript NM_000310.4 (MANE Select); 6 bases into the intron after coding-DNA position 234, G replaced by A.
Molecular consequence: intron variant.
Genome position (GRCh38, 1-based): chr1:40,092,392, C>T on the plus strand (G>A on the coding strand, the complement: PPT1 is on the minus strand). VCF-style: chr1-40092392-C-T. GRCh37 (hg19) VCF-style: chr1-40558064-C-T.
Other names: c.125-2880G>A (NM_001142604.2); c.234+6G>A (NM_001363695.2).
Identifiers: ClinVar variation 138796 (VCV000138796.5), dbSNP rs587781122, ClinGen allele CA292905.

ClinVar aggregate classification (germline): Conflicting classifications of pathogenicity. Review status: criteria provided, conflicting classifications (1 of 4 stars). 3 submissions from 3 submitters: Uncertain significance (2); Benign (1). Last evaluated 2024-12-14.

Conditions:
Neuronal ceroid lipofuscinosis 1 (CLN1). Also called: CEROID LIPOFUSCINOSIS, NEURONAL, 1, VARIABLE AGE AT ONSET; PPT1-Related Neuronal Ceroid-Lipofuscinosis. Identifiers: Orphanet 228329, MedGen C1850451, MONDO:0009744, OMIM 256730.

Allele frequency attached by ClinVar (database versions not stated): gnomAD exomes 0.00004 and 0.00011; TOPMed 0.00005; gnomAD 0.00007.
gnomAD v4.1: 158 of 1,594,362 alleles (0.0099%); highest among the groups gnomAD compares: Non-Finnish European, 0.013%; no homozygotes.

Submissions (3):

Women's Health and Genetics/Laboratory Corporation of America, LabCorp
Classification: Uncertain significance. Last evaluated: 2024-12-14. Review status: criteria provided, single submitter. Criteria: LabCorp Variant Classification Summary - May 2015. Collection method: clinical testing. Allele origin: germline.

Labcorp Genetics (formerly Invitae), Labcorp
Classification: Uncertain significance for Neuronal ceroid lipofuscinosis 1. Last evaluated: 2022-08-01. Review status: criteria provided, single submitter. Criteria: Invitae Variant Classification Sherloc (09022015). Collection method: clinical testing. Allele origin: germline.
Comment: This sequence change falls in intron 2 of the PPT1 gene. It does not directly change the encoded amino acid sequence of the PPT1 protein. It affects a nucleotide within the consensus splice site. This variant is present in population databases (rs587781122, gnomAD 0.009%). This variant has not been reported in the literature in individuals affected with PPT1-related conditions. ClinVar contains an entry for this variant (Variation ID: 138796). Variants that disrupt the consensus splice site are a relatively common cause of aberrant splicing (PMID: 17576681, 9536098). Algorithms developed to predict the effect of sequence changes on RNA splicing suggest that this variant is not likely to affect RNA splicing. In summary, the available evidence is currently insufficient to determine the role of this variant in disease. Therefore, it has been classified as a Variant of Uncertain Significance.

GeneDx
Classification: Benign. Last evaluated: 2014-05-27. Review status: criteria provided, single submitter. Criteria: GeneDx Variant Classification (06012015). Collection method: clinical testing. Allele origin: germline. Affected: yes.
Comment: This variant is considered likely benign or benign based on one or more of the following criteria: it is a conservative change, it occurs at a poorly conserved position in the protein, it is predicted to be benign by multiple in silico algorithms, and/or has population frequency not consistent with disease.

Literature cited by the submitters: PubMed 17576681 (cited by Labcorp Genetics (formerly Invitae), Labcorp); PubMed 9536098 (cited by Labcorp Genetics (formerly Invitae), Labcorp).